The following is an entry in ClinVar:

NM_006206.6(PDGFRA):c.412G>C (p.Val138Leu)

Gene: PDGFRA (platelet derived growth factor receptor alpha; plus strand). Cytogenetic location: 4q12.
Variant type: single nucleotide variant.
Coding change: c.412G>C on transcript NM_006206.6 (MANE Select); coding-DNA position 412, G replaced by C.
Protein change: p.Val138Leu; replaces valine 138 with leucine.
Molecular consequence: missense variant.
Genome position (GRCh38, 1-based): chr4:54,263,711, G>C. VCF-style: chr4-54263711-G-C. GRCh37 (hg19) VCF-style: chr4-55129878-G-C.
Other names: c.412G>C, p.Val138Leu (NM_001347827.2, NM_001347829.2); c.487G>C, p.Val163Leu (NM_001347828.2); c.451G>C, p.Val151Leu (NM_001347830.2); short protein forms V151L, V138L, V163L.
Identifiers: ClinVar variation 652739 (VCV000652739.10), dbSNP rs1577709150, ClinGen allele CA356889740.
Genomic context (GRCh38, chr4:54,263,711, plus strand): 5'-CTTTTTTAAACCACAGACCCAGATGTAGCCTTTGTACCTCTAGGAATGACGGATTATTTA[G>C]TCATCGTGGAGGATGATGATTCTGCCATTATACCTTGTCGCACAACTGATCCCGAGACTC-3'
Protein context (NP_006197.1, residues 128-148): FVPLGMTDYL[Val138Leu]IVEDDDSAII

ClinVar aggregate classification (germline): Uncertain significance. Review status: criteria provided, multiple submitters, no conflicts (2 of 4 stars). 2 submissions from 2 submitters: Uncertain significance (2). Last evaluated 2025-09-12.

Conditions:
Hereditary cancer-predisposing syndrome. Also called: Neoplastic Syndromes, Hereditary; Tumor predisposition; Hereditary Cancer Syndrome; Hereditary neoplastic syndrome. Identifiers: Orphanet 140162, MedGen C0027672, MeSH D009386, MONDO:0015356.
Gastrointestinal stromal tumor. Also called: Gastrointestinal stromal tumor, somatic; Gastrointestinal stroma tumor. Identifiers: Orphanet 44890, MedGen C0238198, MeSH D046152, MONDO:0011719, OMIM 606764, HP:0100723.

Submissions (2):

Labcorp Genetics (formerly Invitae), Labcorp
Classification: Uncertain significance for Gastrointestinal stromal tumor. Last evaluated: 2025-09-12. Review status: criteria provided, single submitter. Criteria: Invitae Variant Classification Sherloc (09022015). Collection method: clinical testing. Allele origin: germline.
Comment: This sequence change replaces valine, which is neutral and non-polar, with leucine, which is neutral and non-polar, at codon 138 of the PDGFRA protein (p.Val138Leu). This variant is not present in population databases (gnomAD no frequency). This variant has not been reported in the literature in individuals affected with PDGFRA-related conditions. ClinVar contains an entry for this variant (Variation ID: 652739). Invitae Evidence Modeling of protein sequence and biophysical properties (such as structural, functional, and spatial information, amino acid conservation, physicochemical variation, residue mobility, and thermodynamic stability) indicates that this missense variant is not expected to disrupt PDGFRA protein function with a negative predictive value of 80%. In summary, the available evidence is currently insufficient to determine the role of this variant in disease. Therefore, it has been classified as a Variant of Uncertain Significance.

Ambry Genetics
Classification: Uncertain significance for Hereditary cancer-predisposing syndrome. Last evaluated: 2023-11-01. Review status: criteria provided, single submitter. Criteria: Ambry Variant Classification Scheme 2023. Collection method: clinical testing. Allele origin: germline.
Comment: The p.V138L variant (also known as c.412G>C), located in coding exon 3 of the PDGFRA gene, results from a G to C substitution at nucleotide position 412. The valine at codon 138 is replaced by leucine, an amino acid with highly similar properties. This amino acid position is conserved. In addition, this alteration is predicted to be tolerated by in silico analysis. Since supporting evidence is limited at this time, the clinical significance of this alteration remains unclear.